The following is an entry in ClinVar:

ClinVar aggregate classification (germline): Likely benign. Review status: criteria provided, multiple submitters, no conflicts (2 of 4 stars). 3 submissions from 3 submitters: Likely benign (3). Last evaluated 2025-09-10.

Conditions:
Hereditary cancer-predisposing syndrome. Also called: Neoplastic Syndromes, Hereditary; Tumor predisposition; Hereditary Cancer Syndrome; Hereditary neoplastic syndrome. Identifiers: Orphanet 140162, MedGen C0027672, MeSH D009386, MONDO:0015356.
Familial cancer of breast. Also called: BREAST CANCER, FAMILIAL; Hereditary breast cancer; hereditary breast carcinoma. Identifiers: Orphanet 227535, MedGen C0346153, MONDO:0016419, OMIM 114480. Disease mechanism: loss of function.

Allele frequency attached by ClinVar (database versions not stated): gnomAD exomes below 0.00001.
gnomAD v4.1: 4 of 1,592,322 alleles (0.00025%); highest among the groups gnomAD compares: East Asian, 0.0022%; no homozygotes.

Submissions (3):

Labcorp Genetics (formerly Invitae), Labcorp
Classification: Likely benign for Familial cancer of breast. Last evaluated: 2025-09-10. Review status: criteria provided, single submitter. Criteria: Invitae Variant Classification Sherloc (09022015). Collection method: clinical testing. Allele origin: germline.

Myriad Genetics, Inc.
Classification: Likely benign for Familial cancer of breast. Last evaluated: 2024-07-25. Review status: criteria provided, single submitter. Criteria: Myriad Autosomal Dominant, Autosomal Recessive and X-Linked Classification Criteria (2023). Collection method: clinical testing. Allele origin: unknown.
Comment: This variant is considered likely benign. This variant is intronic and is not expected to impact mRNA splicing.

Color Diagnostics, LLC DBA Color Health
Classification: Likely benign for Hereditary cancer-predisposing syndrome. Last evaluated: 2020-04-06. Review status: criteria provided, single submitter. Criteria: ACMG Guidelines, 2015. Collection method: clinical testing. Allele origin: germline.

NM_000465.4(BARD1):c.1569-15C>T

Gene: BARD1 (BRCA1 associated RING domain 1; minus strand). Cytogenetic location: 2q35.
Variant type: single nucleotide variant.
Coding change: c.1569-15C>T on transcript NM_000465.4 (MANE Select); 15 bases into the intron before coding-DNA position 1569, C replaced by T.
Molecular consequence: intron variant.
Genome position (GRCh38, 1-based): chr2:214,752,570, G>A on the plus strand (C>T on the coding strand, the complement: BARD1 is on the minus strand). VCF-style: chr2-214752570-G-A. GRCh37 (hg19) VCF-style: chr2-215617294-G-A.
Other names: c.159-15C>T (NM_001282548.2); c.1512-15C>T (NM_001282543.2); c.216-15C>T (NM_001282545.2); c.365-22062C>T (NM_001282549.2).
Identifiers: ClinVar variation 926660 (VCV000926660.6), dbSNP rs944044039, ClinGen allele CA64807076.